The following is an entry in ClinVar:

ClinVar aggregate classification (germline): Uncertain significance (1 of 4 stars; one submission).

Conditions:
Glycogen storage disease type III (GSD3). Also called: Cori disease; FORBES DISEASE. Identifiers: Orphanet 366, MedGen C0017922, MONDO:0009291, OMIM 232400.

Submission:

Labcorp Genetics (formerly Invitae), Labcorp
Classification: Uncertain significance for Glycogen storage disease type III. Last evaluated: 2023-05-15. Review status: criteria provided, single submitter. Criteria: Invitae Variant Classification Sherloc (09022015). Collection method: clinical testing. Allele origin: germline.
Comment: In summary, the available evidence is currently insufficient to determine the role of this variant in disease. Therefore, it has been classified as a Variant of Uncertain Significance. Advanced modeling of protein sequence and biophysical properties (such as structural, functional, and spatial information, amino acid conservation, physicochemical variation, residue mobility, and thermodynamic stability) performed at Invitae indicates that this missense variant is not expected to disrupt AGL protein function. ClinVar contains an entry for this variant (Variation ID: 1060494). This variant has not been reported in the literature in individuals affected with AGL-related conditions. This variant is not present in population databases (gnomAD no frequency). This sequence change replaces aspartic acid, which is acidic and polar, with glycine, which is neutral and non-polar, at codon 1187 of the AGL protein (p.Asp1187Gly).

NM_000642.3(AGL):c.3560A>G (p.Asp1187Gly)

Gene: AGL (amylo-alpha-1,6-glucosidase and 4-alpha-glucanotransferase; plus strand). Cytogenetic location: 1p21.2.
Variant type: single nucleotide variant.
Coding change: c.3560A>G on transcript NM_000642.3 (MANE Select); coding-DNA position 3560, A replaced by G.
Protein change: p.Asp1187Gly; replaces aspartic acid 1187 with glycine.
Molecular consequence: missense variant.
Genome position (GRCh38, 1-based): chr1:99,900,833, A>G. VCF-style: chr1-99900833-A-G. GRCh37 (hg19) VCF-style: chr1-100366389-A-G.
Other names: c.3560A>G, p.Asp1187Gly (NM_000028.3, NM_000643.3, NM_000644.3 and 1 more transcripts); c.3512A>G, p.Asp1171Gly (NM_000646.3); c.3539A>G, p.Asp1180Gly (NM_001425326.1); c.3359A>G, p.Asp1120Gly (NM_001425327.1); c.3356A>G, p.Asp1119Gly (NM_001425328.1); c.3221A>G, p.Asp1074Gly (NM_001425329.1); c.3182A>G, p.Asp1061Gly (NM_001425332.1); short protein forms D1171G, D1187G, D1061G, D1074G, D1119G, D1120G, D1180G.
Identifiers: ClinVar variation 1060494 (VCV001060494.9), dbSNP rs2100818758, ClinGen allele CA341332722.